The following is an entry in ClinVar:

ClinVar aggregate classification (germline): Likely pathogenic (1 of 4 stars; one submission).

Conditions:
Spermatogenic failure 18. Identifiers: MedGen C4539783, MONDO:0054615, OMIM 617576.
Ciliary dyskinesia, primary, 37 (CILD37). Also called: CILIARY DYSKINESIA, PRIMARY, 37, WITH OR WITHOUT SITUS INVERSUS. Identifiers: MedGen C4539798, MONDO:0033204, OMIM 617577.

Allele frequency attached by ClinVar (database versions not stated): gnomAD 0.00001; TOPMed 0.00001.

Submission:

Labcorp Genetics (formerly Invitae), Labcorp
Classification: Likely pathogenic for Ciliary dyskinesia, primary, 37; Spermatogenic failure 18. Last evaluated: 2025-08-07. Review status: criteria provided, single submitter. Criteria: Invitae Variant Classification Sherloc (09022015). Collection method: clinical testing. Allele origin: germline.
Comment: This sequence change affects an acceptor splice site in intron 6 of the DNAH1 gene. It is expected to disrupt RNA splicing. Variants that disrupt the donor or acceptor splice site typically lead to a loss of protein function (PMID: 16199547), and loss-of-function variants in DNAH1 are known to be pathogenic (PMID: 27573432, 27798045). This variant is not present in population databases (gnomAD no frequency). This variant has not been reported in the literature in individuals affected with DNAH1-related conditions. ClinVar contains an entry for this variant (Variation ID: 2417078). Algorithms developed to predict the effect of sequence changes on RNA splicing suggest that this variant may disrupt the consensus splice site. In summary, the currently available evidence indicates that the variant is pathogenic, but additional data are needed to prove that conclusively. Therefore, this variant has been classified as Likely Pathogenic.

Literature cited by the submitters: PubMed 16199547; PubMed 27573432; PubMed 27798045.

NM_015512.5(DNAH1):c.872-2A>G

Gene: DNAH1 (dynein axonemal heavy chain 1; plus strand). Cytogenetic location: 3p21.1.
Variant type: single nucleotide variant.
Coding change: c.872-2A>G on transcript NM_015512.5 (MANE Select); the canonical splice acceptor site of the intron before coding-DNA position 872, A replaced by G.
Molecular consequence: splice acceptor variant.
Genome position (GRCh38, 1-based): chr3:52,331,146, A>G. VCF-style: chr3-52331146-A-G. GRCh37 (hg19) VCF-style: chr3-52365162-A-G.
Identifiers: ClinVar variation 2417078 (VCV002417078.7), dbSNP rs1241577019, ClinGen allele CA353078024.